The following is an entry in ClinVar:

NM_017491.5(WDR1):c.595C>T (p.Pro199Ser)

Gene: WDR1 (WD repeat domain 1; minus strand). Cytogenetic location: 4p16.1.
Variant type: single nucleotide variant.
Coding change: c.595C>T on transcript NM_017491.5 (MANE Select); coding-DNA position 595, C replaced by T.
Protein change: p.Pro199Ser; replaces proline 199 with serine.
Molecular consequence: missense variant.
Genome position (GRCh38, 1-based): chr4:10,088,705, G>A on the plus strand (C>T on the coding strand, the complement: WDR1 is on the minus strand). VCF-style: chr4-10088705-G-A. GRCh37 (hg19) VCF-style: chr4-10090329-G-A.
Other names: c.175C>T, p.Pro59Ser (NM_005112.5); short protein forms P59S, P199S.
Identifiers: ClinVar variation 1401836 (VCV001401836.8), dbSNP rs1291452349, ClinGen allele CA356362487.
Genomic context (GRCh38, chr4:10,088,705, plus strand): 5'-AACCCATCCCAGTTCTTACCTGGCCGTCAGCACTGGCTGTGGCAAATCTGTTCCCATCAG[G>A]AGAGAATCGCACACAGTTGACAAAGCGGCTGTGGTCCTGCAGGAAAACAATTACCTGCCT-3'
Protein context (NP_059830.1, residues 189-209): SRFVNCVRFS[Pro199Ser]DGNRFATASA

ClinVar aggregate classification (germline): Uncertain significance (1 of 4 stars; one submission).

gnomAD v4.1: 1 of 1,607,862 alleles (0.000062%); highest among the groups gnomAD compares: Non-Finnish European, 0.000085%; no homozygotes.

Submission:

Labcorp Genetics (formerly Invitae), Labcorp
Classification: Uncertain significance. Last evaluated: 2021-01-03. Review status: criteria provided, single submitter. Criteria: Invitae Variant Classification Sherloc (09022015). Collection method: clinical testing. Allele origin: germline.
Comment: This sequence change replaces proline with serine at codon 199 of the WDR1 protein (p.Pro199Ser). The proline residue is highly conserved and there is a moderate physicochemical difference between proline and serine. This variant is not present in population databases (ExAC no frequency). This variant has not been reported in the literature in individuals with WDR1-related conditions. Algorithms developed to predict the effect of missense changes on protein structure and function are either unavailable or do not agree on the potential impact of this missense change (SIFT: "Deleterious"; PolyPhen-2: "Probably Damaging"; Align-GVGD: "Class C0"). In summary, the available evidence is currently insufficient to determine the role of this variant in disease. Therefore, it has been classified as a Variant of Uncertain Significance.